The following is an entry in ClinVar:

NM_001369369.1(FOXN1):c.905C>T (p.Thr302Met)

Gene: FOXN1 (forkhead box N1; plus strand). Cytogenetic location: 17q11.2.
Variant type: single nucleotide variant.
Coding change: c.905C>T on transcript NM_001369369.1 (MANE Select); coding-DNA position 905, C replaced by T.
Protein change: p.Thr302Met; replaces threonine 302 with methionine.
Molecular consequence: missense variant.
Genome position (GRCh38, 1-based): chr17:28,530,823, C>T. VCF-style: chr17-28530823-C-T. GRCh37 (hg19) VCF-style: chr17-26857841-C-T.
Other names: c.905C>T, p.Thr302Met (NM_003593.3); short protein forms T302M.
Identifiers: ClinVar variation 845833 (VCV000845833.7), dbSNP rs200898611, ClinGen allele CA8459388.
Genomic context (GRCh38, chr17:28,530,823, plus strand): 5'-TGGCCCTTAAGAACAGTAAAACTGGGAGCCTTCCCGTCAGCGAGATCTACAATTTTATGA[C>T]GGAGCACTTTCCTTACTTCAAGGTGAGCCCAAGATTCCTCCCCATCCCATCACCCCCAAG-3'
Protein context (NP_001356298.1, residues 292-312): LPVSEIYNFM[Thr302Met]EHFPYFKTAP

ClinVar aggregate classification (germline): Uncertain significance. Review status: criteria provided, multiple submitters, no conflicts (2 of 4 stars). 2 submissions from 2 submitters: Uncertain significance (2). Last evaluated 2024-10-23.

Conditions:
Inborn genetic diseases. Identifiers: MedGen C0950123, MeSH D030342.
T-cell immunodeficiency, congenital alopecia, and nail dystrophy. Also called: Congenital alopecia and nail dystrophy associated with severe functional T-cell immunodeficiency; Pignata Guarino syndrome. Identifiers: Orphanet 169095, MedGen C1866426, MONDO:0011132, OMIM 601705.

Allele frequency attached by ClinVar (database versions not stated): gnomAD 0.00004 and 0.00005; TOPMed 0.00008; ExAC 0.00012; 1000 Genomes Project 30x 0.00016; 1000 Genomes Project 0.00020.
gnomAD v4.1: 96 of 1,602,378 alleles (0.006%); highest among the groups gnomAD compares: East Asian, 0.011%; no homozygotes.

Submissions (2):

Labcorp Genetics (formerly Invitae), Labcorp
Classification: Uncertain significance for T-cell immunodeficiency, congenital alopecia, and nail dystrophy. Last evaluated: 2024-10-23. Review status: criteria provided, single submitter. Criteria: Invitae Variant Classification Sherloc (09022015). Collection method: clinical testing. Allele origin: germline.
Comment: This sequence change replaces threonine, which is neutral and polar, with methionine, which is neutral and non-polar, at codon 302 of the FOXN1 protein (p.Thr302Met). This variant is present in population databases (rs200898611, gnomAD 0.01%). This variant has not been reported in the literature in individuals affected with FOXN1-related conditions. ClinVar contains an entry for this variant (Variation ID: 845833). Invitae Evidence Modeling of protein sequence and biophysical properties (such as structural, functional, and spatial information, amino acid conservation, physicochemical variation, residue mobility, and thermodynamic stability) indicates that this missense variant is not expected to disrupt FOXN1 protein function with a negative predictive value of 80%. In summary, the available evidence is currently insufficient to determine the role of this variant in disease. Therefore, it has been classified as a Variant of Uncertain Significance.

Ambry Genetics
Classification: Uncertain significance for Inborn genetic diseases. Last evaluated: 2023-02-22. Review status: criteria provided, single submitter. Criteria: Ambry Variant Classification Scheme 2023. Collection method: clinical testing. Allele origin: germline.